The following is an entry in ClinVar:

NM_001130438.3(SPTAN1):c.1691G>A (p.Arg564His)

Gene: SPTAN1 (spectrin alpha, non-erythrocytic 1; plus strand). Cytogenetic location: 9q34.11.
Variant type: single nucleotide variant.
Coding change: c.1691G>A on transcript NM_001130438.3 (MANE Select); coding-DNA position 1691, G replaced by A.
Protein change: p.Arg564His; replaces arginine 564 with histidine.
Molecular consequence: missense variant.
Genome position (GRCh38, 1-based): chr9:128,582,734, G>A. VCF-style: chr9-128582734-G-A. GRCh37 (hg19) VCF-style: chr9-131345013-G-A.
Other names: c.1691G>A, p.Arg564His (NM_001195532.2, NM_001363759.2, NM_001363765.2 and 1 more transcripts); short protein forms R564H.
Identifiers: ClinVar variation 509765 (VCV000509765.15), dbSNP rs201168391, ClinGen allele CA5264491.

ClinVar aggregate classification (germline): Benign/Likely benign. Review status: criteria provided, multiple submitters, no conflicts (2 of 4 stars). 4 submissions from 4 submitters: Benign (2); Likely benign (2). Last evaluated 2024-10-29.

Conditions:
Inborn genetic diseases. Identifiers: MedGen C0950123, MeSH D030342.
Developmental and epileptic encephalopathy, 5 (DEE5). Identifiers: Orphanet 3451, MedGen C3150731, MONDO:0013277, OMIM 613477.
Early-infantile DEE. Also called: Early infantile epileptic encephalopathy; Early infantile epileptic encephalopathy with suppression bursts; Ohtahara syndrome. Identifiers: Orphanet 1934, MedGen C0393706, MONDO:0800491.

Allele frequency attached by ClinVar (database versions not stated): gnomAD 0.00001 and 0.00003; ExAC 0.00002; TOPMed 0.00003; gnomAD exomes 0.00004; 1000 Genomes Project 30x 0.00016; 1000 Genomes Project 0.00020.
gnomAD v4.1: 60 of 1,613,950 alleles (0.0037%); highest among the groups gnomAD compares: East Asian, 0.078%; no homozygotes.

Submissions (4):

Labcorp Genetics (formerly Invitae), Labcorp
Classification: Benign for Early-infantile DEE. Last evaluated: 2024-10-29. Review status: criteria provided, single submitter. Criteria: Invitae Variant Classification Sherloc (09022015). Collection method: clinical testing. Allele origin: germline.

Ambry Genetics
Classification: Likely benign for Inborn genetic diseases. Last evaluated: 2021-08-12. Review status: criteria provided, single submitter. Criteria: Ambry Variant Classification Scheme 2023. Collection method: clinical testing. Allele origin: germline.

Genome-Nilou Lab
Classification: Benign for Developmental and epileptic encephalopathy, 5. Last evaluated: 2021-07-15. Review status: criteria provided, single submitter. Criteria: ACMG Guidelines, 2015. Collection method: clinical testing. Allele origin: germline. Affected: no.

GeneDx
Classification: Likely benign. Last evaluated: 2017-05-23. Review status: criteria provided, single submitter. Criteria: GeneDx Variant Classification (06012015). Collection method: clinical testing. Allele origin: germline. Affected: yes.
Comment: This variant is considered likely benign or benign based on one or more of the following criteria: it is a conservative change, it occurs at a poorly conserved position in the protein, it is predicted to be benign by multiple in silico algorithms, and/or has population frequency not consistent with disease.